The following is an entry in ClinVar:

NM_004415.4(DSP):c.7689G>C (p.Leu2563Phe)

Gene: DSP (desmoplakin; plus strand). Cytogenetic location: 6p24.3.
Variant type: single nucleotide variant.
Coding change: c.7689G>C on transcript NM_004415.4 (MANE Select); coding-DNA position 7689, G replaced by C.
Protein change: p.Leu2563Phe; replaces leucine 2563 with phenylalanine.
Molecular consequence: missense variant.
Genome position (GRCh38, 1-based): chr6:7,584,951, G>C. VCF-style: chr6-7584951-G-C. GRCh37 (hg19) VCF-style: chr6-7585184-G-C.
Other names: c.5892G>C, p.Leu1964Phe (NM_001008844.3); c.6360G>C, p.Leu2120Phe (NM_001319034.2); short protein forms L2563F, L2120F, L1964F.
Identifiers: ClinVar variation 2953670 (VCV002953670.3), dbSNP rs1759587881, ClinGen allele CA362693562.
Genomic context (GRCh38, chr6:7,584,951, plus strand): 5'-CTTTGATCAGTACCGATCCGGCAGCCTCAGCCTCACTCAATTTGCTGACATGATCTCCTT[G>C]AAAAATGGTGTCGGCACCAGCAGCAGCATGGGCAGTGGTGTCAGCGATGATGTTTTTAGC-3'
Protein context (NP_004406.2, residues 2553-2573): SLTQFADMIS[Leu2563Phe]KNGVGTSSSM

ClinVar aggregate classification (germline): Uncertain significance (1 of 4 stars; one submission).

Conditions:
Arrhythmogenic cardiomyopathy with wooly hair and keratoderma. Also called: PALMOPLANTAR KERATODERMA WITH LEFT VENTRICULAR CARDIOMYOPATHY AND WOOLLY HAIR; Carvajal syndrome; Arrhythmogenic cardiomyopathy with woolly hair and keratoderma; Dilated cardiomyopathy with woolly hair and keratoderma. Identifiers: Orphanet 65282, MedGen C1854063, MONDO:0011581, OMIM 605676.
Arrhythmogenic right ventricular dysplasia 8 (ARVD8). Also called: Arrhythmogenic Right Ventricular Dysplasia/Cardiomyopathy 8; ARRHYTHMOGENIC RIGHT VENTRICULAR DYSPLASIA, FAMILIAL, 8; ARRHYTHMOGENIC RIGHT VENTRICULAR CARDIOMYOPATHY 8. Identifiers: MedGen C1843896, MONDO:0011831, OMIM 607450.

Submission:

Labcorp Genetics (formerly Invitae), Labcorp
Classification: Uncertain significance for Arrhythmogenic cardiomyopathy with wooly hair and keratoderma; Arrhythmogenic right ventricular dysplasia 8. Last evaluated: 2023-11-13. Review status: criteria provided, single submitter. Criteria: Invitae Variant Classification Sherloc (09022015). Collection method: clinical testing. Allele origin: germline.
Comment: This sequence change replaces leucine, which is neutral and non-polar, with phenylalanine, which is neutral and non-polar, at codon 2563 of the DSP protein (p.Leu2563Phe). This variant is not present in population databases (gnomAD no frequency). This variant has not been reported in the literature in individuals affected with DSP-related conditions. An algorithm developed to predict the effect of missense changes on protein structure and function (PolyPhen-2) suggests that this variant is likely to be tolerated. In summary, the available evidence is currently insufficient to determine the role of this variant in disease. Therefore, it has been classified as a Variant of Uncertain Significance.